The following is an entry in ClinVar:

NM_018089.3(ANKZF1):c.147A>G (p.Ser49=)

Gene: ANKZF1 (ankyrin repeat and zinc finger peptidyl tRNA hydrolase 1; plus strand). Cytogenetic location: 2q35.
Variant type: single nucleotide variant.
Coding change: c.147A>G on transcript NM_018089.3 (MANE Select); coding-DNA position 147, A replaced by G.
Protein change: p.Ser49=; no amino-acid change (serine 49 retained).
Molecular consequence: synonymous variant. On other transcripts: intron variant (1).
Genome position (GRCh38, 1-based): chr2:219,230,404, A>G. VCF-style: chr2-219230404-A-G. GRCh37 (hg19) VCF-style: chr2-220095126-A-G.
Other names: c.147A>G, p.Ser49= (NM_001042410.2); c.-267+504A>G (NM_001282792.2).
Identifiers: ClinVar variation 4762269 (VCV004762269.1).

ClinVar aggregate classification (germline): Uncertain significance (1 of 4 stars; one submission).

Submission:

Labcorp Genetics (formerly Invitae), Labcorp
Classification: Uncertain significance. Last evaluated: 2025-05-19. Review status: criteria provided, single submitter. Criteria: Invitae Variant Classification Sherloc (09022015). Collection method: clinical testing. Allele origin: germline.
Comment: This sequence change affects codon 49 of the ANKZF1 mRNA. It is a 'silent' change, meaning that it does not change the encoded amino acid sequence of the ANKZF1 protein. It affects a nucleotide within the consensus splice site. This variant is not present in population databases (gnomAD no frequency). This variant has not been reported in the literature in individuals affected with ANKZF1-related conditions. Algorithms developed to predict the effect of sequence changes on RNA splicing suggest that this variant may disrupt the consensus splice site. In summary, the available evidence is currently insufficient to determine the role of this variant in disease. Therefore, it has been classified as a Variant of Uncertain Significance.